The following is an entry in ClinVar:

ClinVar aggregate classification (germline): Uncertain significance (1 of 4 stars; one submission).

Submission:

Labcorp Genetics (formerly Invitae), Labcorp
Classification: Uncertain significance. Last evaluated: 2025-08-16. Review status: criteria provided, single submitter. Criteria: Invitae Variant Classification Sherloc (09022015). Collection method: clinical testing. Allele origin: germline.
Comment: This sequence change replaces methionine, which is neutral and non-polar, with arginine, which is basic and polar, at codon 887 of the RAI1 protein (p.Met887Arg). This variant is not present in population databases (gnomAD no frequency). This variant has not been reported in the literature in individuals affected with RAI1-related conditions. Invitae Evidence Modeling of protein sequence and biophysical properties (such as structural, functional, and spatial information, amino acid conservation, physicochemical variation, residue mobility, and thermodynamic stability) indicates that this missense variant is not expected to disrupt RAI1 protein function with a negative predictive value of 80%. In summary, the available evidence is currently insufficient to determine the role of this variant in disease. Therefore, it has been classified as a Variant of Uncertain Significance.

NM_030665.4(RAI1):c.2660T>G (p.Met887Arg)

Gene: RAI1 (retinoic acid induced 1; plus strand). Cytogenetic location: 17p11.2.
Variant type: single nucleotide variant.
Coding change: c.2660T>G on transcript NM_030665.4 (MANE Select); coding-DNA position 2660, T replaced by G.
Protein change: p.Met887Arg; replaces methionine 887 with arginine.
Molecular consequence: missense variant.
Genome position (GRCh38, 1-based): chr17:17,795,608, T>G. VCF-style: chr17-17795608-T-G. GRCh37 (hg19) VCF-style: chr17-17698922-T-G.
Other names: short protein forms M887R.
Identifiers: ClinVar variation 4743535 (VCV004743535.1).